The following is an entry in ClinVar:

ClinVar aggregate classification (germline): Uncertain significance. Review status: criteria provided, multiple submitters, no conflicts (2 of 4 stars). 2 submissions from 2 submitters: Uncertain significance (2). Last evaluated 2025-03-04.

Conditions:
Hereditary cancer-predisposing syndrome. Also called: Hereditary Cancer Syndrome; Hereditary neoplastic syndrome; Tumor predisposition; Neoplastic Syndromes, Hereditary. Identifiers: Orphanet 140162, MedGen C0027672, MeSH D009386, MONDO:0015356.

Allele frequency attached by ClinVar (database versions not stated): gnomAD exomes 0.00002; TOPMed 0.00002; gnomAD 0.00003; ExAC 0.00010.
gnomAD v4.1: 36 of 1,613,938 alleles (0.0022%); highest among the groups gnomAD compares: Non-Finnish European, 0.0028%; no homozygotes.

Submissions (2):

Center for Genomic Medicine, Rigshospitalet, Copenhagen University Hospital
Classification: Uncertain significance. Last evaluated: 2025-03-04. Review status: criteria provided, single submitter. Criteria: ACMG Guidelines, 2015. Collection method: clinical testing. Allele origin: germline.

Ambry Genetics
Classification: Uncertain significance for Hereditary cancer-predisposing syndrome. Last evaluated: 2024-07-28. Review status: criteria provided, single submitter. Criteria: Ambry Variant Classification Scheme 2023. Collection method: clinical testing. Allele origin: germline.
Comment: The p.T84M variant (also known as c.251C>T), located in coding exon 1 of the GREM1 gene, results from a C to T substitution at nucleotide position 251. The threonine at codon 84 is replaced by methionine, an amino acid with similar properties. This amino acid position is conserved. In addition, the in silico prediction for this alteration is inconclusive. Since supporting evidence is limited at this time, the clinical significance of this alteration remains unclear.

NM_013372.7(GREM1):c.251C>T (p.Thr84Met)

Gene: GREM1 (gremlin 1, DAN family BMP antagonist; plus strand). Cytogenetic location: 15q13.3.
Variant type: single nucleotide variant.
Coding change: c.251C>T on transcript NM_013372.7 (MANE Select); coding-DNA position 251, C replaced by T.
Protein change: p.Thr84Met; replaces threonine 84 with methionine.
Molecular consequence: missense variant.
Genome position (GRCh38, 1-based): chr15:32,730,941, C>T. VCF-style: chr15-32730941-C-T. GRCh37 (hg19) VCF-style: chr15-33023142-C-T.
Other names: c.41C>T, p.Thr14Met (NM_001191322.2); c.128C>T, p.Thr43Met (NM_001191323.2); c.251C>T, p.Thr84Met (NM_001368719.1); short protein forms T14M, T84M, T43M.
Identifiers: ClinVar variation 1792513 (VCV001792513.5), dbSNP rs771903480, ClinGen allele CA7456137.
Genomic context (GRCh38, chr15:32,730,941, plus strand): 5'-GGGGCACTGCCATGCCCGGGGAGGAGGTGCTGGAGTCCAGCCAAGAGGCCCTGCATGTGA[C>T]GGAGCGCAAATACCTGAAGCGAGACTGGTGCAAAACCCAGCCGCTTAAGCAGACCATCCA-3'
Protein context (NP_037504.1, residues 74-94): LESSQEALHV[Thr84Met]ERKYLKRDWC